The following is an entry in ClinVar:

ClinVar aggregate classification (germline): Uncertain significance. Review status: criteria provided, multiple submitters, no conflicts (2 of 4 stars). 4 submissions from 4 submitters: Uncertain significance (4). Last evaluated 2025-07-08.

Conditions:
Malignant hyperthermia, susceptibility to, 1 (MHS1). Also called: Anesthesia related hyperthermia; Malignant hyperpyrexia; Fulminating hyperpyrexia; Pharmacogenic myopathy; RYR1-Related Malignant Hyperthermia Susceptibility; Malignant hyperthermia suceptibility 1. Identifiers: Orphanet 423, MedGen C2930980, MONDO:0007783, OMIM 145600.
Inborn genetic diseases. Identifiers: MedGen C0950123, MeSH D030342.
RYR1-related disorder. Also called: RYR1-related condition; RYR1-related disorders. Identifiers: MedGen CN239331.

Allele frequency attached by ClinVar (database versions not stated): TOPMed 0.00001; gnomAD 0.00002; gnomAD exomes 0.00002.
gnomAD v4.1: 27 of 1,614,024 alleles (0.0017%); highest among the groups gnomAD compares: East Asian, 0.0045%; no homozygotes.

Submissions (4):

Color Diagnostics, LLC DBA Color Health
Classification: Uncertain significance for Malignant hyperthermia, susceptibility to, 1. Last evaluated: 2025-07-08. Review status: criteria provided, single submitter. Criteria: ACMG Guidelines, 2015. Collection method: clinical testing. Allele origin: germline.
Comment: This missense variant replaces proline with leucine at codon 3062 of the RYR1 protein. Computational prediction suggests that this variant may not impact protein structure and function. To our knowledge, functional studies have not been reported for this variant. This variant has not been reported in individuals affected with RYR1-related disorders in the literature. This variant has been identified in 3/282536 chromosomes in the general population by the Genome Aggregation Database (gnomAD). The available evidence is insufficient to determine the role of this variant in disease conclusively. Therefore, this variant is classified as a Variant of Uncertain Significance.

Labcorp Genetics (formerly Invitae), Labcorp
Classification: Uncertain significance for RYR1-related disorder. Last evaluated: 2025-01-01. Review status: criteria provided, single submitter. Criteria: Invitae Variant Classification Sherloc (09022015). Collection method: clinical testing. Allele origin: germline.
Comment: This sequence change replaces proline, which is neutral and non-polar, with leucine, which is neutral and non-polar, at codon 3062 of the RYR1 protein (p.Pro3062Leu). This variant is present in population databases (no rsID available, gnomAD 0.005%). This variant has not been reported in the literature in individuals affected with RYR1-related conditions. ClinVar contains an entry for this variant (Variation ID: 2057012). Invitae Evidence Modeling of protein sequence and biophysical properties (such as structural, functional, and spatial information, amino acid conservation, physicochemical variation, residue mobility, and thermodynamic stability) indicates that this missense variant is not expected to disrupt RYR1 protein function with a negative predictive value of 80%. In summary, the available evidence is currently insufficient to determine the role of this variant in disease. Therefore, it has been classified as a Variant of Uncertain Significance.

Ambry Genetics
Classification: Uncertain significance for Inborn genetic diseases. Last evaluated: 2023-12-17. Review status: criteria provided, single submitter. Criteria: Ambry Variant Classification Scheme 2023. Collection method: clinical testing. Allele origin: germline.

All of Us Research Program, National Institutes of Health
Classification: Uncertain significance for Malignant hyperthermia, susceptibility to, 1. Last evaluated: 2023-08-08. Review status: criteria provided, single submitter. Criteria: ACMG Guidelines, 2015. Collection method: clinical testing. Allele origin: germline. Inheritance: Autosomal dominant inheritance. Observed: 4 variant alleles, 4 heterozygotes.
Comment: This missense variant replaces proline with leucine at codon 3062 of the RYR1 protein. Computational prediction suggests that this variant may not impact protein structure and function (internally defined REVEL score threshold <= 0.5, PMID: 27666373). To our knowledge, functional studies have not been reported for this variant. This variant has not been reported in individuals affected with RYR1-related disorders in the literature. This variant has been identified in 3/282536 chromosomes in the general population by the Genome Aggregation Database (gnomAD). The available evidence is insufficient to determine the role of this variant in disease conclusively. Therefore, this variant is classified as a Variant of Uncertain Significance.

This study involves interpretation of variants in research participants for the purpose of population health screening. Participant phenotype was not available at the time of variant classification. Additional details can be found in publication PMID: 35346344, PMCID: PMC8962531

NM_000540.3(RYR1):c.9185C>T (p.Pro3062Leu)

Gene: RYR1 (ryanodine receptor 1; plus strand). Cytogenetic location: 19q13.2.
Variant type: single nucleotide variant.
Coding change: c.9185C>T on transcript NM_000540.3 (MANE Select); coding-DNA position 9185, C replaced by T.
Protein change: p.Pro3062Leu; replaces proline 3062 with leucine.
Molecular consequence: missense variant.
Genome position (GRCh38, 1-based): chr19:38,512,084, C>T. VCF-style: chr19-38512084-C-T. GRCh37 (hg19) VCF-style: chr19-39002724-C-T.
Other names: c.9185C>T, p.Pro3062Leu (NM_001042723.2); short protein forms P3062L.
Identifiers: ClinVar variation 2057012 (VCV002057012.6), dbSNP rs1356032554, ClinGen allele CA405685359.
Genomic context (GRCh38, chr19:38,512,084, plus strand): 5'-TCTGTCCTCTTAGCCATGGCATCCCCCCGGCCCATCTTCCTCTCCCAGGGACAGACGCCC[C>T]AGCTGTGGTCAACTGTCTTCACATCCTGGCCCGCTCCCTGGATGCCAGGTAGGGCCATAG-3'
Protein context (NP_000531.2, residues 3052-3072): HRVSLFGTDA[Pro3062Leu]AVVNCLHILA